The following is an entry in ClinVar:

ClinVar aggregate classification (germline): Uncertain significance (1 of 4 stars; one submission).

Allele frequency attached by ClinVar (database versions not stated): gnomAD exomes below 0.00001.
gnomAD v4.1: 1 of 1,613,942 alleles (0.000062%); highest among the groups gnomAD compares: Non-Finnish European, 0.000085%; no homozygotes.

Submission:

Labcorp Genetics (formerly Invitae), Labcorp
Classification: Uncertain significance. Last evaluated: 2022-11-29. Review status: criteria provided, single submitter. Criteria: Invitae Variant Classification Sherloc (09022015). Collection method: clinical testing. Allele origin: germline.
Comment: In summary, the available evidence is currently insufficient to determine the role of this variant in disease. Therefore, it has been classified as a Variant of Uncertain Significance. Algorithms developed to predict the effect of missense changes on protein structure and function (SIFT, PolyPhen-2, Align-GVGD) all suggest that this variant is likely to be tolerated. ClinVar contains an entry for this variant (Variation ID: 1477192). This variant has not been reported in the literature in individuals affected with LETM1-related conditions. This variant is not present in population databases (gnomAD no frequency). This sequence change replaces leucine, which is neutral and non-polar, with valine, which is neutral and non-polar, at codon 206 of the LETM1 protein (p.Leu206Val).

NM_012318.3(LETM1):c.616C>G (p.Leu206Val)

Gene: LETM1 (leucine zipper and EF-hand containing transmembrane protein 1; minus strand). Cytogenetic location: 4p16.3.
Variant type: single nucleotide variant.
Coding change: c.616C>G on transcript NM_012318.3 (MANE Select); coding-DNA position 616, C replaced by G.
Protein change: p.Leu206Val; replaces leucine 206 with valine.
Molecular consequence: missense variant.
Genome position (GRCh38, 1-based): chr4:1,836,551, G>C on the plus strand (C>G on the coding strand, the complement: LETM1 is on the minus strand). VCF-style: chr4-1836551-G-C. GRCh37 (hg19) VCF-style: chr4-1838278-G-C.
Other names: short protein forms L206V.
Identifiers: ClinVar variation 1477192 (VCV001477192.8), dbSNP rs2108848624, ClinGen allele CA356008245.